The following is an entry in ClinVar:

NM_000053.4(ATP7B):c.1919A>G (p.His640Arg)

Gene: ATP7B (ATPase copper transporting beta; minus strand). Cytogenetic location: 13q14.3.
Variant type: single nucleotide variant.
Coding change: c.1919A>G on transcript NM_000053.4 (MANE Select); coding-DNA position 1919, A replaced by G.
Protein change: p.His640Arg; replaces histidine 640 with arginine.
Molecular consequence: missense variant. On other transcripts: intron variant (13).
Genome position (GRCh38, 1-based): chr13:51,961,864, T>C on the plus strand (A>G on the coding strand, the complement: ATP7B is on the minus strand). VCF-style: chr13-51961864-T-C. GRCh37 (hg19) VCF-style: chr13-52536000-T-C.
Other names: c.1919A>G (NM_000053.3); c.1586A>G, p.His529Arg (NM_001243182.2); c.1919A>G, p.His640Arg (NM_001330578.2, NM_001406511.1, NM_001406512.1 and 16 more transcripts); c.1886A>G, p.His629Arg (NM_001406514.1, NM_001406524.1); c.1823A>G, p.His608Arg (NM_001406517.1, NM_001406518.1, NM_001406530.1 and 1 more transcripts); c.1490A>G, p.His497Arg (NM_001406539.1); c.1869+3008A>G (NM_001406541.1, NM_001406531.1, NM_001406532.1 and 5 more transcripts); c.1773+3008A>G (NM_001406543.1, NM_001406544.1); and 2 more; short protein forms H497R, H529R, H608R, H629R, H640R.
Identifiers: ClinVar variation 3075306 (VCV003075306.4), dbSNP rs369147145, ClinGen allele CA388027568.
Genomic context (GRCh38, chr13:51,961,864, plus strand): 5'-AGAGCTGGAGTTTATCTTTTGTGTTCTACCTACTGCTTTATTTCCATCTTGTGGTCCAAG[T>C]GATGAGCGTTGGGGTTTCTCTGGGCCAGGGAAGCATGAAAGCCAATTTCCTTGTCATTAA-3'
Protein context (NP_000044.2, residues 630-650): SLAQRNPNAH[His640Arg]LDHKMEIKQW

ClinVar aggregate classification (germline): Uncertain significance. Review status: criteria provided, multiple submitters, no conflicts (2 of 4 stars). 4 submissions from 4 submitters: Uncertain significance (4). Last evaluated 2024-07-10.

Conditions:
Wilson disease (WND). Also called: Wilson's disease. Identifiers: Orphanet 905, MedGen C0019202, MONDO:0010200, OMIM 277900. Disease mechanism: loss of function.
Inborn genetic diseases. Identifiers: MedGen C0950123, MeSH D030342.

Submissions (4):

Ambry Genetics
Classification: Uncertain significance for Inborn genetic diseases. Last evaluated: 2024-07-10. Review status: criteria provided, single submitter. Criteria: Ambry Variant Classification Scheme 2023. Collection method: clinical testing. Allele origin: germline.

Women's Health and Genetics/Laboratory Corporation of America, LabCorp
Classification: Uncertain significance. Last evaluated: 2024-06-21. Review status: criteria provided, single submitter. Criteria: LabCorp Variant Classification Summary - May 2015. Collection method: clinical testing. Allele origin: germline.
Comment: Variant summary: ATP7B c.1919A>G (p.His640Arg) results in a non-conservative amino acid change in the encoded protein sequence. Four of five in-silico tools predict a damaging effect of the variant on protein function. The variant was absent in 249578 control chromosomes (gnomAD). The available data on variant occurrences in the general population are insufficient to allow any conclusion about variant significance. To our knowledge, no occurrence of c.1919A>G in individuals affected with Wilson Disease and no experimental evidence demonstrating its impact on protein function have been reported. No submitters have cited clinical-significance assessments for this variant to ClinVar. Based on the evidence outlined above, the variant was classified as uncertain significance.

All of Us Research Program, National Institutes of Health
Classification: Uncertain significance for Wilson disease. Last evaluated: 2024-01-08. Review status: criteria provided, single submitter. Criteria: ACMG Guidelines, 2015. Collection method: clinical testing. Allele origin: germline. Inheritance: Autosomal recessive inheritance. Observed: 1 variant allele, 1 heterozygote.
Comment: This missense variant replaces histidine with arginine at codon 640 of the ATP7B protein. Computational prediction is inconclusive regarding the impact of this variant on protein structure and function (internally defined REVEL score threshold 0.5 < inconclusive < 0.7, PMID: 27666373). To our knowledge, functional studies have not been reported for this variant. This variant has not been reported in individuals affected with ATP7B-related disorders in the literature. This variant has not been identified in the general population by the Genome Aggregation Database (gnomAD). The available evidence is insufficient to determine the role of this variant in disease conclusively. Therefore, this variant is classified as a Variant of Uncertain Significance.

This study involves interpretation of variants in research participants for the purpose of population health screening. Participant phenotype was not available at the time of variant classification. Additional details can be found in publication PMID: 35346344, PMCID: PMC8962531

Color Diagnostics, LLC DBA Color Health
Classification: Uncertain significance for Wilson disease. Last evaluated: 2022-11-07. Review status: criteria provided, single submitter. Criteria: ACMG Guidelines, 2015. Collection method: clinical testing. Allele origin: germline.
Comment: This missense variant replaces histidine with arginine at codon 640 of the ATP7B protein. Computational prediction is inconclusive regarding the impact of this variant on protein structure and function (internally defined REVEL score threshold 0.5 < inconclusive < 0.7, PMID: 27666373). To our knowledge, functional studies have not been reported for this variant. This variant has not been reported in individuals affected with ATP7B-related disorders in the literature. This variant has not been identified in the general population by the Genome Aggregation Database (gnomAD). The available evidence is insufficient to determine the role of this variant in disease conclusively. Therefore, this variant is classified as a Variant of Uncertain Significance.